The following is an entry in ClinVar:

NM_002474.3(MYH11):c.5702G>A (p.Arg1901Lys)

Genes: NDE1 (nudE neurodevelopment protein 1; plus strand), MYH11 (myosin heavy chain 11; minus strand). Cytogenetic location: 16p13.11.
Variant type: single nucleotide variant.
Coding change: c.5702G>A on transcript NM_002474.3 (MANE Select); coding-DNA position 5702, G replaced by A.
Protein change: p.Arg1901Lys; replaces arginine 1901 with lysine.
Molecular consequence: missense variant. On other transcripts: intron variant (2).
Genome position (GRCh38, 1-based): chr16:15,714,993, C>T on the plus strand (G>A on the coding strand, the complement: MYH11 is on the minus strand). VCF-style: chr16-15714993-C-T. GRCh37 (hg19) VCF-style: chr16-15808850-C-T.
Other names: c.5723G>A, p.Arg1908Lys (NM_001040113.2, NM_001040114.2); c.5702G>A, p.Arg1901Lys (NM_022844.3); c.948-9198C>T (NM_001143979.2, NM_017668.3); short protein forms R1901K, R1908K.
Identifiers: ClinVar variation 1172257 (VCV001172257.3), dbSNP rs2151192042, ClinGen allele CA394846723.

ClinVar aggregate classification (germline): Uncertain significance (1 of 4 stars; one submission).

Conditions:
Familial thoracic aortic aneurysm and aortic dissection (TAAD). Also called: Thoracic aortic aneurysms and dissections. Identifiers: Orphanet 91387, MedGen C4707243, MONDO:0019625.

gnomAD v4.1: 1 of 1,614,060 alleles (0.000062%); highest among the groups gnomAD compares: East Asian, 0.0022%; no homozygotes.

Submission:

Color Diagnostics, LLC DBA Color Health
Classification: Uncertain significance for Familial thoracic aortic aneurysm and aortic dissection. Last evaluated: 2024-03-06. Review status: criteria provided, single submitter. Criteria: ACMG Guidelines, 2015. Collection method: clinical testing. Allele origin: germline.
Comment: This missense variant replaces arginine with lysine at codon 1908 of the MYH11 protein. Computational prediction is inconclusive regarding the impact of this variant on protein structure and function (internally defined REVEL score threshold 0.5 < inconclusive < 0.7, PMID: 27666373). Splice site prediction tools suggest that this variant may not impact RNA splicing. To our knowledge, functional studies have not been reported for this variant. This variant has not been reported in individuals affected with cardiovascular disorders in the literature. This variant has not been identified in the general population by the Genome Aggregation Database (gnomAD). The available evidence is insufficient to determine the role of this variant in disease conclusively. Therefore, this variant is classified as a Variant of Uncertain Significance.